The following is an entry in ClinVar:

NM_006939.4(SOS2):c.214G>A (p.Glu72Lys)

Gene: SOS2 (SOS Ras/Rho guanine nucleotide exchange factor 2; minus strand). Cytogenetic location: 14q21.3.
Variant type: single nucleotide variant.
Coding change: c.214G>A on transcript NM_006939.4 (MANE Select); coding-DNA position 214, G replaced by A.
Protein change: p.Glu72Lys; replaces glutamic acid 72 with lysine.
Molecular consequence: missense variant.
Genome position (GRCh38, 1-based): chr14:50,201,084, C>T on the plus strand (G>A on the coding strand, the complement: SOS2 is on the minus strand). VCF-style: chr14-50201084-C-T. GRCh37 (hg19) VCF-style: chr14-50667802-C-T.
Other names: c.214G>A, p.Glu72Lys (NM_001411020.1); short protein forms E72K.
Identifiers: ClinVar variation 3707158 (VCV003707158.2).

ClinVar aggregate classification (germline): Uncertain significance (1 of 4 stars; one submission).

Conditions:
Noonan syndrome 9 (NS9). Identifiers: Orphanet 648, MedGen C4225282, MONDO:0014691, OMIM 616559.

Submission:

Labcorp Genetics (formerly Invitae), Labcorp
Classification: Uncertain significance for Noonan syndrome 9. Last evaluated: 2025-02-16. Review status: criteria provided, single submitter. Criteria: Invitae Variant Classification Sherloc (09022015). Collection method: clinical testing. Allele origin: germline.
Comment: This sequence change replaces glutamic acid, which is acidic and polar, with lysine, which is basic and polar, at codon 72 of the SOS2 protein (p.Glu72Lys). This variant is not present in population databases (gnomAD no frequency). This variant has not been reported in the literature in individuals affected with SOS2-related conditions. Invitae Evidence Modeling of protein sequence and biophysical properties (such as structural, functional, and spatial information, amino acid conservation, physicochemical variation, residue mobility, and thermodynamic stability) indicates that this missense variant is not expected to disrupt SOS2 protein function with a negative predictive value of 95%. Algorithms developed to predict the effect of sequence changes on RNA splicing suggest that this variant may disrupt the consensus splice site. In summary, the available evidence is currently insufficient to determine the role of this variant in disease. Therefore, it has been classified as a Variant of Uncertain Significance.